The following is an entry in ClinVar:

ClinVar aggregate classification (germline): Uncertain significance. Review status: criteria provided, multiple submitters, no conflicts (2 of 4 stars). 2 submissions from 2 submitters: Uncertain significance (2). Last evaluated 2025-10-21.

Conditions:
Inborn genetic diseases. Identifiers: MedGen C0950123, MeSH D030342.
3-methylcrotonyl-CoA carboxylase 1 deficiency (MCC1D). Also called: MCCD TYPE 1; METHYLCROTONYLGLYCINURIA TYPE I; MCC 1 deficiency; 3 Alpha methylcrotonylglycinuria 1. Identifiers: Orphanet 6, MedGen CN028786, MONDO:0008861, OMIM 210200.

gnomAD v4.1: 1 of 1,610,428 alleles (0.000062%); highest among the groups gnomAD compares: Non-Finnish European, 0.000085%; no homozygotes.

Submissions (2):

Ambry Genetics
Classification: Uncertain significance for Inborn genetic diseases. Last evaluated: 2025-10-21. Review status: criteria provided, single submitter. Criteria: Ambry Variant Classification Scheme 2023. Collection method: clinical testing. Allele origin: germline.

Labcorp Genetics (formerly Invitae), Labcorp
Classification: Uncertain significance for 3-methylcrotonyl-CoA carboxylase 1 deficiency. Last evaluated: 2022-05-12. Review status: criteria provided, single submitter. Criteria: Invitae Variant Classification Sherloc (09022015). Collection method: clinical testing. Allele origin: germline.
Comment: In summary, the available evidence is currently insufficient to determine the role of this variant in disease. Therefore, it has been classified as a Variant of Uncertain Significance. Algorithms developed to predict the effect of missense changes on protein structure and function are either unavailable or do not agree on the potential impact of this missense change (SIFT: "Tolerated"; PolyPhen-2: "Probably Damaging"; Align-GVGD: "Class C0"). This variant has not been reported in the literature in individuals affected with MCCC1-related conditions. This variant is not present in population databases (gnomAD no frequency). This sequence change replaces asparagine, which is neutral and polar, with lysine, which is basic and polar, at codon 267 of the MCCC1 protein (p.Asn267Lys).

NM_020166.5(MCCC1):c.801T>A (p.Asn267Lys)

Gene: MCCC1 (methylcrotonyl-CoA carboxylase subunit 1; minus strand). Cytogenetic location: 3q27.1.
Variant type: single nucleotide variant.
Coding change: c.801T>A on transcript NM_020166.5 (MANE Select); coding-DNA position 801, T replaced by A.
Protein change: p.Asn267Lys; replaces asparagine 267 with lysine.
Molecular consequence: missense variant. On other transcripts: non-coding transcript variant (2).
Genome position (GRCh38, 1-based): chr3:183,057,383, A>T on the plus strand (T>A on the coding strand, the complement: MCCC1 is on the minus strand). VCF-style: chr3-183057383-A-T. GRCh37 (hg19) VCF-style: chr3-182775171-A-T.
Other names: c.801T>A (NM_020166.3); c.450T>A, p.Asn150Lys (NM_001293273.2); c.474T>A, p.Asn158Lys (NM_001363880.1); short protein forms N158K, N150K, N267K.
Identifiers: ClinVar variation 1926369 (VCV001926369.6), dbSNP rs2530273965, ClinGen allele CA355327855.
Genomic context (GRCh38, chr3:183,057,383, plus strand): 5'-CTCAATGATCTTCTGATGTCGCCTCTGCACACTACAGTCTCTTTCAAACAAGTACACAGC[A>T]TTGCCATGGTGATCACCAAACACCTGGACTTCTACATGCCTATATAAAAGCAAACATGTA-3'
Protein context (NP_064551.3, residues 257-277): EVQVFGDHHG[Asn267Lys]AVYLFERDCS